The following is an entry in ClinVar:

NM_000540.3(RYR1):c.5387C>A (p.Ala1796Asp)

Gene: RYR1 (ryanodine receptor 1; plus strand). Cytogenetic location: 19q13.2.
Variant type: single nucleotide variant.
Coding change: c.5387C>A on transcript NM_000540.3 (MANE Select); coding-DNA position 5387, C replaced by A.
Protein change: p.Ala1796Asp; replaces alanine 1796 with aspartic acid.
Molecular consequence: missense variant.
Genome position (GRCh38, 1-based): chr19:38,486,042, C>A. VCF-style: chr19-38486042-C-A. GRCh37 (hg19) VCF-style: chr19-38976682-C-A.
Other names: c.5387C>A, p.Ala1796Asp (NM_001042723.2); short protein forms A1796D.
Identifiers: ClinVar variation 2900601 (VCV002900601.5), dbSNP rs2514229772, ClinGen allele CA405654976.
Genomic context (GRCh38, chr19:38,486,042, plus strand): 5'-ATTTCTCGCCCCCCTGTTTCGTGGCCGCTCTGCCAGCTGCTGGGGCAGCAGAGGCCCCGG[C>A]CCGCCTCAGCCCTGCCATCCCGCTGGAGGCCCTGCGGGACAAGGCACTGAGGATGCTGGG-3'
Protein context (NP_000531.2, residues 1786-1806): LPAAGAAEAP[Ala1796Asp]RLSPAIPLEA

ClinVar aggregate classification (germline): Uncertain significance. Review status: criteria provided, multiple submitters, no conflicts (2 of 4 stars). 3 submissions from 3 submitters: Uncertain significance (3). Last evaluated 2025-08-17.

Conditions:
RYR1-related disorder. Also called: RYR1-related condition; RYR1-related disorders. Identifiers: MedGen CN239331.
Malignant hyperthermia, susceptibility to, 1 (MHS1). Also called: Malignant hyperthermia suceptibility 1; Anesthesia related hyperthermia; Malignant hyperpyrexia; Fulminating hyperpyrexia; Pharmacogenic myopathy; RYR1-Related Malignant Hyperthermia Susceptibility. Identifiers: Orphanet 423, MedGen C2930980, MONDO:0007783, OMIM 145600.

Allele frequency attached by ClinVar (database versions not stated): gnomAD exomes below 0.00001.
gnomAD v4.1: 3 of 1,612,716 alleles (0.00019%); highest among the groups gnomAD compares: Non-Finnish European, 0.00025%; no homozygotes.

Submissions (3):

Color Diagnostics, LLC DBA Color Health
Classification: Uncertain significance for Malignant hyperthermia, susceptibility to, 1. Last evaluated: 2025-08-17. Review status: criteria provided, single submitter. Criteria: ACMG Guidelines, 2015. Collection method: clinical testing. Allele origin: germline.
Comment: This missense variant replaces alanine with aspartic acid at codon 1796 of the RYR1 protein. Computational prediction suggests that this variant may not impact protein structure and function. To our knowledge, functional studies have not been reported for this variant. This variant has not been reported in individuals affected with RYR1-related disorders in the literature. This variant has not been identified in the general population by the Genome Aggregation Database (gnomAD). The available evidence is insufficient to determine the role of this variant in disease conclusively. Therefore, this variant is classified as a Variant of Uncertain Significance.

All of Us Research Program, National Institutes of Health
Classification: Uncertain significance for Malignant hyperthermia, susceptibility to, 1. Last evaluated: 2024-01-11. Review status: criteria provided, single submitter. Criteria: ACMG Guidelines, 2015. Collection method: clinical testing. Allele origin: germline. Inheritance: Autosomal dominant inheritance. Observed: 1 variant allele, 1 heterozygote.
Comment: This study involves interpretation of variants in research participants for the purpose of population health screening. Participant phenotype was not available at the time of variant classification. Additional details can be found in publication PMID: 35346344, PMCID: PMC8962531

Labcorp Genetics (formerly Invitae), Labcorp
Classification: Uncertain significance for RYR1-related disorder. Last evaluated: 2023-02-15. Review status: criteria provided, single submitter. Criteria: Invitae Variant Classification Sherloc (09022015). Collection method: clinical testing. Allele origin: germline.
Comment: In summary, the available evidence is currently insufficient to determine the role of this variant in disease. Therefore, it has been classified as a Variant of Uncertain Significance. Advanced modeling of protein sequence and biophysical properties (such as structural, functional, and spatial information, amino acid conservation, physicochemical variation, residue mobility, and thermodynamic stability) performed at Invitae indicates that this missense variant is not expected to disrupt RYR1 protein function. This variant has not been reported in the literature in individuals affected with RYR1-related conditions. This variant is not present in population databases (gnomAD no frequency). This sequence change replaces alanine, which is neutral and non-polar, with aspartic acid, which is acidic and polar, at codon 1796 of the RYR1 protein (p.Ala1796Asp).